The following is an entry in ClinVar:

ClinVar aggregate classification (germline): Uncertain significance (1 of 4 stars; one submission).

gnomAD v4.1: 1 of 1,614,094 alleles (0.000062%); no homozygotes.

Submission:

Ambry Genetics
Classification: Uncertain significance. Last evaluated: 2024-04-20. Review status: criteria provided, single submitter. Criteria: Ambry Variant Classification Scheme 2023. Collection method: clinical testing. Allele origin: germline.
Comment: The p.S1291T variant (also known as c.3871T>A), located in coding exon 17 of the NPAT gene, results from a T to A substitution at nucleotide position 3871. The serine at codon 1291 is replaced by threonine, an amino acid with similar properties. This amino acid position is conserved. In addition, this alteration is predicted to be tolerated by in silico analysis. Based on the available evidence, the clinical significance of this variant remains unclear.

NM_002519.3(NPAT):c.3871T>A (p.Ser1291Thr)

Gene: NPAT (nuclear protein, coactivator of histone transcription; minus strand). Cytogenetic location: 11q22.3.
Variant type: single nucleotide variant.
Coding change: c.3871T>A on transcript NM_002519.3 (MANE Select); coding-DNA position 3871, T replaced by A.
Protein change: p.Ser1291Thr; replaces serine 1291 with threonine.
Molecular consequence: missense variant.
Genome position (GRCh38, 1-based): chr11:108,161,215, A>T on the plus strand (T>A on the coding strand, the complement: NPAT is on the minus strand). VCF-style: chr11-108161215-A-T. GRCh37 (hg19) VCF-style: chr11-108031942-A-T.
Other names: c.3892T>A, p.Ser1298Thr (NM_001321307.1); short protein forms S1291T, S1298T.
Identifiers: ClinVar variation 3300671 (VCV003300671.1).